The following is an entry in ClinVar:

NM_000152.5(GAA):c.448dup (p.Ala150fs)

Gene: GAA (alpha glucosidase; plus strand). Cytogenetic location: 17q25.3.
Variant type: Duplication.
Coding change: c.448dup on transcript NM_000152.5 (MANE Select); coding-DNA position 448, one base duplicated (G; older notation c.448dupG).
Protein change: p.Ala150fs; shifts the reading frame from alanine 150.
Molecular consequence: frameshift variant.
Genome position (GRCh38, 1-based): chr17:80,105,034, G duplicated; the last of 2 consecutive G bases (chr17:80,105,033-80,105,034); duplicating either gives the same sequence. VCF-style (leftmost placement, unchanged base first): chr17-80105032-C-CG. GRCh37 (hg19) VCF-style: chr17-78078831-C-CG.
Other names: c.448dupG (NM_000152.3); c.448dup, p.Ala150fs (NM_001079803.3, NM_001079804.3); c.448dup (LRG_673t1); short protein forms A150fs.
Identifiers: ClinVar variation 551530 (VCV000551530.7), dbSNP rs1555598880, ClinGen allele CA658824776.

ClinVar aggregate classification (germline): Likely pathogenic. Review status: reviewed by expert panel (3 of 4 stars). 2 submissions from 2 submitters: Likely pathogenic (1). 1 of the submissions does not count toward it. Last evaluated 2026-05-05.

Conditions:
Glycogen storage disease, type II (IOPD). Also called: Glycogen storage disease type 2; Acid maltase deficiency disease; Aglucosidase alfa; Deficiency of alpha-glucosidase; Deficiency of lysosomal alpha-glucosidase; POMPE DISEASE, INFANTILE-ONSET. Identifiers: Orphanet 365, MedGen C0017921, MONDO:0009290, OMIM 232300.

Submissions (2):

ClinGen Lysosomal Storage Disorder Variant Curation Expert Panel
Classification: Likely pathogenic for Glycogen storage disease, type II. Last evaluated: 2026-05-05. Review status: reviewed by expert panel. Criteria: clingen_lsd_acmg_specifications_v2-1. Collection method: curation. Allele origin: germline. Inheritance: Autosomal recessive inheritance.
Comment: The NM_000152.5:c.448dup (p.Ala150GlyfsTer27) variant in GAA is a frameshift variant predicted to cause a premature stop codon in exon 2 out of a total of 20 exons, leading to nonsense mediated decay in a gene in which loss-of-function is an established disease mechanism (PVS1). The variant is absent in gnomAD v4.1.0. (PM2_Supporting). To our knowledge, this variant has not been reported in the literature in individuals with Pompe disease, and results of experimental studies are not available. There is a ClinVar entry for this variant (Variation ID: 551530). The classification of this variant has been upgraded from Variant of Uncertain Significance to Likely Pathogenic based on the recommendations of the ClinGen Sequence Variant Interpretation Working Group, that a variant meeting PVS1 and PM2_Supporting is classified as Likely Pathogenic. In summary, this variant meets the criteria to be classified as Likely Pathogenic for Pompe disease. GAA-specific ACMG/AMP criteria met, based on the specifications of the ClinGen Lysosomal Diseases Variant Curation Expert Panel (Specifications Version 2.0): PVS1, PM2_Supporting. (Classification approved by the ClinGen Lysosomal Diseases VCEP, May 5, 2026).

Counsyl
Classification: Likely pathogenic for Glycogen storage disease, type II. Last evaluated: 2017-04-14. Review status: no assertion criteria provided. Collection method: clinical testing. Allele origin: unknown. Not counted in ClinVar's aggregate classification.